The following is an entry in ClinVar:

ClinVar aggregate classification (germline): Likely benign. Review status: criteria provided, multiple submitters, no conflicts (2 of 4 stars). 2 submissions from 2 submitters: Likely benign (2). Last evaluated 2026-01-05.

Conditions:
UNC45A-related disorder. Also called: UNC45A-related condition.

Allele frequency attached by ClinVar (database versions not stated): gnomAD 0.00001; gnomAD exomes 0.00001 and 0.00006; ExAC 0.00002; TOPMed 0.00004.
gnomAD v4.1: 23 of 1,612,922 alleles (0.0014%); highest among the groups gnomAD compares: East Asian, 0.02%; no homozygotes.

Submissions (2):

PreventionGenetics, part of Exact Sciences
Classification: Likely benign for UNC45A-related condition. Last evaluated: 2026-01-05. Review status: criteria provided, single submitter. Criteria: ACMG Guidelines, 2015. Collection method: clinical testing. Allele origin: germline.
Comment: This variant is classified as likely benign based on ACMG/AMP sequence variant interpretation guidelines (Richards et al. 2015 PMID: 25741868, with internal and published modifications).

Labcorp Genetics (formerly Invitae), Labcorp
Classification: Likely benign. Last evaluated: 2024-10-07. Review status: criteria provided, single submitter. Criteria: Invitae Variant Classification Sherloc (09022015). Collection method: clinical testing. Allele origin: germline.

NM_018671.5(UNC45A):c.1158G>A (p.Ala386=)

Gene: UNC45A (unc-45 myosin chaperone A; plus strand). Cytogenetic location: 15q26.1.
Variant type: single nucleotide variant.
Coding change: c.1158G>A on transcript NM_018671.5 (MANE Select); coding-DNA position 1158, G replaced by A.
Protein change: p.Ala386=; no amino-acid change (alanine 386 retained).
Molecular consequence: synonymous variant.
Genome position (GRCh38, 1-based): chr15:90,945,022, G>A. VCF-style: chr15-90945022-G-A. GRCh37 (hg19) VCF-style: chr15-91488252-G-A.
Other names: c.1113G>A, p.Ala371= (NM_001039675.2, NM_001323621.2); c.1158G>A, p.Ala386= (NM_001323619.1); c.723G>A, p.Ala241= (NM_001323620.2).
Identifiers: ClinVar variation 1548187 (VCV001548187.9), dbSNP rs754929421, ClinGen allele CA7742799.